The following is an entry in ClinVar:

NM_015331.3(NCSTN):c.1568A>G (p.Tyr523Cys)

Gene: NCSTN (nicastrin; plus strand). Cytogenetic location: 1q23.2.
Variant type: single nucleotide variant.
Coding change: c.1568A>G on transcript NM_015331.3 (MANE Select); coding-DNA position 1568, A replaced by G.
Protein change: p.Tyr523Cys; replaces tyrosine 523 with cysteine.
Molecular consequence: missense variant.
Genome position (GRCh38, 1-based): chr1:160,356,276, A>G. VCF-style: chr1-160356276-A-G. GRCh37 (hg19) VCF-style: chr1-160326066-A-G.
Other names: c.1508A>G, p.Tyr503Cys (NM_001290184.2); c.1154A>G, p.Tyr385Cys (NM_001290186.2); c.1568A>G, p.Tyr523Cys (NM_001349729.2); short protein forms Y385C, Y503C, Y523C.
Identifiers: ClinVar variation 2049807 (VCV002049807.4), dbSNP rs202209583, ClinGen allele CA1199047.
Genomic context (GRCh38, chr1:160,356,276, plus strand): 5'-CCTTCAAGTCACAGGGTTTTCTCTCTTTACTGTTCCAATCCTAGGTTACCCGCCTGCTCT[A>G]TGGGTTCCTGATTAAAGCCAACAACTCATGGTTCCAGTCTATCCTCAGGCAGGACCTAAG-3'
Protein context (NP_056146.1, residues 513-533): ADPQTVTRLL[Tyr523Cys]GFLIKANNSW

ClinVar aggregate classification (germline): Uncertain significance (1 of 4 stars; one submission).

Allele frequency attached by ClinVar (database versions not stated): ExAC 0.00002; gnomAD exomes 0.00002; gnomAD 0.00005; ESP Exome Variant Server 0.00008.
gnomAD v4.1: 42 of 1,612,908 alleles (0.0026%); highest among the groups gnomAD compares: Admixed American, 0.0083%; no homozygotes.

Submission:

Labcorp Genetics (formerly Invitae), Labcorp
Classification: Uncertain significance. Last evaluated: 2025-03-18. Review status: criteria provided, single submitter. Criteria: Invitae Variant Classification Sherloc (09022015). Collection method: clinical testing. Allele origin: germline.
Comment: This sequence change replaces tyrosine, which is neutral and polar, with cysteine, which is neutral and slightly polar, at codon 523 of the NCSTN protein (p.Tyr523Cys). This variant is present in population databases (rs202209583, gnomAD 0.009%). This variant has not been reported in the literature in individuals affected with NCSTN-related conditions. ClinVar contains an entry for this variant (Variation ID: 2049807). Invitae Evidence Modeling of protein sequence and biophysical properties (such as structural, functional, and spatial information, amino acid conservation, physicochemical variation, residue mobility, and thermodynamic stability) indicates that this missense variant is expected to disrupt NCSTN protein function with a positive predictive value of 80%. In summary, the available evidence is currently insufficient to determine the role of this variant in disease. Therefore, it has been classified as a Variant of Uncertain Significance.